The following is an entry in ClinVar:

ClinVar aggregate classification (germline): Benign. Review status: criteria provided, single submitter (1 of 4 stars). 2 submissions from 2 submitters: Benign (1). 1 of the submissions does not count toward it. Last evaluated 2024-06-15.

Conditions:
L1CAM-related disorder. Also called: L1CAM-related condition.
Spastic paraplegia. Identifiers: MedGen C0037772, HP:0001258.

Allele frequency attached by ClinVar (database versions not stated): ExAC 0.00001; gnomAD exomes 0.00001; TOPMed 0.00002; gnomAD 0.00005.
gnomAD v4.1: 17 of 1,208,034 alleles (0.0014%); highest among the groups gnomAD compares: Non-Finnish European, 0.0018%; no homozygotes.

Submissions (2):

Labcorp Genetics (formerly Invitae), Labcorp
Classification: Benign for Spastic paraplegia. Last evaluated: 2024-06-15. Review status: criteria provided, single submitter. Criteria: Invitae Variant Classification Sherloc (09022015). Collection method: clinical testing. Allele origin: germline.

PreventionGenetics, part of Exact Sciences
Classification: Likely benign for L1CAM-related condition. Last evaluated: 2019-03-29. Review status: no assertion criteria provided. Collection method: clinical testing. Allele origin: germline. Not counted in ClinVar's aggregate classification.
Comment: This variant is classified as likely benign based on ACMG/AMP sequence variant interpretation guidelines (Richards et al. 2015 PMID: 25741868, with internal and published modifications).

NM_001278116.2(L1CAM):c.2622C>T (p.Pro874=)

Gene: L1CAM (L1 cell adhesion molecule; minus strand). Cytogenetic location: Xq28.
Variant type: single nucleotide variant.
Coding change: c.2622C>T on transcript NM_001278116.2 (MANE Select); coding-DNA position 2622, C replaced by T.
Protein change: p.Pro874=; no amino-acid change (proline 874 retained).
Molecular consequence: synonymous variant.
Genome position (GRCh38, 1-based): chrX:153,865,426, G>A on the plus strand (C>T on the coding strand, the complement: L1CAM is on the minus strand). VCF-style: chrX-153865426-G-A. GRCh37 (hg19) VCF-style: chrX-153130881-G-A.
Other names: c.2622C>T (NM_000425.4); c.2622C>T, p.Pro874= (NM_000425.5, NM_024003.3); c.2607C>T, p.Pro869= (NM_001143963.2).
Identifiers: ClinVar variation 2979652 (VCV002979652.5), dbSNP rs782519494, ClinGen allele CA10554131.